The following is an entry in ClinVar:

NM_003334.4(UBA1):c.1171G>A (p.Ala391Thr)

Gene: UBA1 (ubiquitin like modifier activating enzyme 1; plus strand). Cytogenetic location: Xp11.3.
Variant type: single nucleotide variant.
Coding change: c.1171G>A on transcript NM_003334.4 (MANE Select); coding-DNA position 1171, G replaced by A.
Protein change: p.Ala391Thr; replaces alanine 391 with threonine.
Molecular consequence: missense variant.
Genome position (GRCh38, 1-based): chrX:47,202,752, G>A. VCF-style: chrX-47202752-G-A. GRCh37 (hg19) VCF-style: chrX-47062151-G-A.
Other names: c.1171G>A, p.Ala391Thr (NM_153280.3); short protein forms A391T.
Identifiers: ClinVar variation 1318973 (VCV001318973.8), dbSNP rs917269296, ClinGen allele CA329035105.

ClinVar aggregate classification (germline): Uncertain significance. Review status: criteria provided, multiple submitters, no conflicts (2 of 4 stars). 3 submissions from 3 submitters: Uncertain significance (3). Last evaluated 2026-03-31.

Conditions:
Inborn genetic diseases. Identifiers: MedGen C0950123, MeSH D030342.
Infantile-onset X-linked spinal muscular atrophy. Also called: Spinal muscular atrophy, X-linked 2; AMC, DISTAL, X-LINKED; ARTHROGRYPOSIS, X-LINKED, TYPE I; SPINAL MUSCULAR ATROPHY, X-LINKED LETHAL INFANTILE; Spinal Muscular Atrophy, X-Linked Infantile. Identifiers: Orphanet 1145, MedGen C1844934, MONDO:0010532, OMIM 301830.

Allele frequency attached by ClinVar (database versions not stated): TOPMed 0.00001; gnomAD 0.00002.

Submissions (3):

Ambry Genetics
Classification: Uncertain significance for Inborn genetic diseases. Last evaluated: 2026-03-31. Review status: criteria provided, single submitter. Criteria: Ambry Variant Classification Scheme 2023. Collection method: clinical testing. Allele origin: germline.
Comment: The c.1171G>A (p.A391T) alteration is located in exon 11 (coding exon 10) of the UBA1 gene. This alteration results from a G to A substitution at nucleotide position 1171, causing the alanine (A) at amino acid position 391 to be replaced by a threonine (T). Based on data from gnomAD, the A allele has an overall frequency of <0.001% (1/198906) total alleles studied. The highest observed frequency was <0.001% (/) of alleles. Based on insufficient or conflicting evidence, the clinical significance of this alteration remains unclear.

Labcorp Genetics (formerly Invitae), Labcorp
Classification: Uncertain significance for Infantile-onset X-linked spinal muscular atrophy. Last evaluated: 2021-08-03. Review status: criteria provided, single submitter. Criteria: Invitae Variant Classification Sherloc (09022015). Collection method: clinical testing. Allele origin: germline.
Comment: This sequence change replaces alanine with threonine at codon 391 of the UBA1 protein (p.Ala391Thr). The alanine residue is moderately conserved and there is a small physicochemical difference between alanine and threonine. In summary, the available evidence is currently insufficient to determine the role of this variant in disease. Therefore, it has been classified as a Variant of Uncertain Significance. Algorithms developed to predict the effect of missense changes on protein structure and function (SIFT, PolyPhen-2, Align-GVGD) all suggest that this variant is likely to be tolerated. This variant has not been reported in the literature in individuals affected with UBA1-related conditions. This variant is not present in population databases (ExAC no frequency).

GeneDx
Classification: Uncertain significance. Last evaluated: 2019-04-03. Review status: criteria provided, single submitter. Criteria: GeneDx Variant Classification Process June 2021. Collection method: clinical testing. Allele origin: germline. Affected: yes.
Comment: Has not been previously published as pathogenic or benign to our knowledge; Not observed at a significant frequency in large population cohorts (Lek et al., 2016); In silico analysis, which includes protein predictors and evolutionary conservation, supports that this variant does not alter protein structure/function; The majority of missense variants in this gene are considered pathogenic (Stenson et al., 2014)